The following is an entry in ClinVar:

NM_019594.4(LRRC8A):c.784C>T (p.Arg262Cys)

Gene: LRRC8A (leucine rich repeat containing 8 VRAC subunit A; plus strand). Cytogenetic location: 9q34.11.
Variant type: single nucleotide variant.
Coding change: c.784C>T on transcript NM_019594.4 (MANE Select); coding-DNA position 784, C replaced by T.
Protein change: p.Arg262Cys; replaces arginine 262 with cysteine.
Molecular consequence: missense variant.
Genome position (GRCh38, 1-based): chr9:128,907,948, C>T. VCF-style: chr9-128907948-C-T. GRCh37 (hg19) VCF-style: chr9-131670227-C-T.
Other names: c.784C>T, p.Arg262Cys (NM_001127244.2, NM_001127245.2); short protein forms R262C.
Identifiers: ClinVar variation 1373363 (VCV001373363.7), dbSNP rs781050816, ClinGen allele CA5270770.

ClinVar aggregate classification (germline): Uncertain significance. Review status: criteria provided, multiple submitters, no conflicts (2 of 4 stars). 2 submissions from 2 submitters: Uncertain significance (2). Last evaluated 2025-12-23.

Allele frequency attached by ClinVar (database versions not stated): ExAC 0.00002; gnomAD exomes 0.00002; TOPMed 0.00003.

Submissions (2):

Labcorp Genetics (formerly Invitae), Labcorp
Classification: Uncertain significance. Last evaluated: 2025-12-23. Review status: criteria provided, single submitter. Criteria: Invitae Variant Classification Sherloc (09022015). Collection method: clinical testing. Allele origin: germline.
Comment: This sequence change replaces arginine, which is basic and polar, with cysteine, which is neutral and slightly polar, at codon 262 of the LRRC8A protein (p.Arg262Cys). This variant is present in population databases (rs781050816, gnomAD 0.01%). This variant has not been reported in the literature in individuals affected with LRRC8A-related conditions. ClinVar contains an entry for this variant (Variation ID: 1373363). An algorithm developed to predict the effect of missense changes on protein structure and function (PolyPhen-2) suggests that this variant is likely to be tolerated. In summary, the available evidence is currently insufficient to determine the role of this variant in disease. Therefore, it has been classified as a Variant of Uncertain Significance.

Breakthrough Genomics
Classification: Uncertain significance. Review status: criteria provided, single submitter. Criteria: ACMG Guidelines, 2015. Collection method: not provided. Allele origin: germline. Inheritance: Autosomal dominant inheritance. Affected: yes.